The following is an entry in ClinVar:

ClinVar aggregate classification (germline): Likely benign. Review status: criteria provided, multiple submitters, no conflicts (2 of 4 stars). 4 submissions from 4 submitters: Likely benign (3). 1 of the submissions does not count toward it. Last evaluated 2026-01-16.

Conditions:
IFT140-related disorder. Also called: IFT140-related condition.
Saldino-Mainzer syndrome (SRTD9). Also called: short-rib thoracic dysplasia 9 with or without polydactyly; Renal dysplasia, retinal pigmentary dystrophy, cerebellar ataxia and skeletal dysplasia; CONORENAL SYNDROME; SHORT-RIB THORACIC DYSPLASIA 9 WITHOUT POLYDACTYLY. Identifiers: Orphanet 140969, MedGen C1849437, MONDO:0009964, OMIM 266920.
Retinitis pigmentosa 80 (RP80). Identifiers: MedGen C4540439, MONDO:0054708, OMIM 617781.

Allele frequency attached by ClinVar (database versions not stated): gnomAD exomes 0.00002 and 0.00005; ESP Exome Variant Server 0.00008; ExAC 0.00009; gnomAD 0.00015 and 0.00018; TOPMed 0.00019.
gnomAD v4.1: 59 of 1,611,802 alleles (0.0037%); highest among the groups gnomAD compares: African/African-American, 0.065%; no homozygotes.

Submissions (4):

Labcorp Genetics (formerly Invitae), Labcorp
Classification: Likely benign for Saldino-Mainzer syndrome. Last evaluated: 2026-01-16. Review status: criteria provided, single submitter. Criteria: Invitae Variant Classification Sherloc (09022015). Collection method: clinical testing. Allele origin: germline.

Blueprint Genetics
Classification: Likely benign. Last evaluated: 2022-12-13. Review status: criteria provided, single submitter. Criteria: ACMG Guidelines, 2015. Collection method: clinical testing. Allele origin: germline.

Fulgent Genetics
Classification: Likely benign for Saldino-Mainzer syndrome; Retinitis pigmentosa 80. Last evaluated: 2021-09-12. Review status: criteria provided, single submitter. Criteria: ACMG Guidelines, 2015. Collection method: clinical testing. Allele origin: unknown.

PreventionGenetics, part of Exact Sciences
Classification: Likely benign for IFT140-related condition. Last evaluated: 2019-08-28. Review status: no assertion criteria provided. Collection method: clinical testing. Allele origin: germline. Not counted in ClinVar's aggregate classification.
Comment: This variant is classified as likely benign based on ACMG/AMP sequence variant interpretation guidelines (Richards et al. 2015 PMID: 25741868, with internal and published modifications).

NM_014714.4(IFT140):c.3543G>A (p.Ser1181=)

Gene: IFT140 (intraflagellar transport 140; minus strand). Cytogenetic location: 16p13.3.
Variant type: single nucleotide variant.
Coding change: c.3543G>A on transcript NM_014714.4 (MANE Select); coding-DNA position 3543, G replaced by A.
Protein change: p.Ser1181=; no amino-acid change (serine 1181 retained).
Molecular consequence: synonymous variant.
Genome position (GRCh38, 1-based): chr16:1,520,719, C>T on the plus strand (G>A on the coding strand, the complement: IFT140 is on the minus strand). VCF-style: chr16-1520719-C-T. GRCh37 (hg19) VCF-style: chr16-1570720-C-T.
Identifiers: ClinVar variation 728887 (VCV000728887.14), dbSNP rs377427370, ClinGen allele CA7813122.
Genomic context (GRCh38, chr16:1,520,719, plus strand): 5'-GCGCATGCAGCAGTCTGCTATCTGCTCCAGCAGCTCCCGCCGCGACTCCTCAGGCAGGTC[C>T]GAGGAGTCCTTGGCCACGGTCATCTTTTCCGCCATCTCCTCGGTGATGCTCATGTTCTGC-3'
Protein context (NP_055529.2, residues 1171-1191): AEKMTVAKDS[Ser1181=]DLPEESRREL